The following is an entry in ClinVar:

NM_177438.3(DICER1):c.3698A>G (p.Asp1233Gly)

Gene: DICER1 (dicer 1, ribonuclease III; minus strand). Cytogenetic location: 14q32.13.
Variant type: single nucleotide variant.
Coding change: c.3698A>G on transcript NM_177438.3 (MANE Select); coding-DNA position 3698, A replaced by G.
Protein change: p.Asp1233Gly; replaces aspartic acid 1233 with glycine.
Molecular consequence: missense variant.
Genome position (GRCh38, 1-based): chr14:95,103,698, T>C on the plus strand (A>G on the coding strand, the complement: DICER1 is on the minus strand). VCF-style: chr14-95103698-T-C. GRCh37 (hg19) VCF-style: chr14-95570035-T-C.
Other names: c.3698A>G, p.Asp1233Gly (NM_001195573.1, NM_001271282.3, NM_001291628.2 and 1 more transcripts); short protein forms D1233G.
Identifiers: ClinVar variation 647709 (VCV000647709.13), dbSNP rs1595365327, ClinGen allele CA390874300.
Genomic context (GRCh38, chr14:95,103,698, plus strand): 5'-TCTGAGGTAGATTTGTTAGCATTTCCATCAAGGTATTTATTACTCAGGAGAGTACATTCA[T>C]CGCTGGGCTGGGGCTGGTTCTCGTAACTGTATAAATTCTGAATGGAATATGAGGTAGTTG-3'
Protein context (NP_803187.1, residues 1223-1243): YSYENQPQPS[Asp1233Gly]ECTLLSNKYL

ClinVar aggregate classification (germline): Uncertain significance. Review status: criteria provided, multiple submitters, no conflicts (2 of 4 stars). 2 submissions from 2 submitters: Uncertain significance (2). Last evaluated 2024-06-09.

Conditions:
DICER1-related tumor predisposition. Also called: DICER1-related pleuropulmonary blastoma cancer predisposition syndrome; DICER1 syndrome. Identifiers: Orphanet 284343, MedGen C3839822, MONDO:0100216.
Hereditary cancer-predisposing syndrome. Also called: Hereditary Cancer Syndrome; Tumor predisposition; Neoplastic Syndromes, Hereditary; Hereditary neoplastic syndrome. Identifiers: Orphanet 140162, MedGen C0027672, MeSH D009386, MONDO:0015356.

Submissions (2):

Ambry Genetics
Classification: Uncertain significance for Hereditary cancer-predisposing syndrome. Last evaluated: 2024-06-09. Review status: criteria provided, single submitter. Criteria: Ambry Variant Classification Scheme 2023. Collection method: clinical testing. Allele origin: germline.
Comment: The p.D1233G variant (also known as c.3698A>G), located in coding exon 20 of the DICER1 gene, results from an A to G substitution at nucleotide position 3698. The aspartic acid at codon 1233 is replaced by glycine, an amino acid with similar properties. This amino acid position is not well conserved in available vertebrate species. In addition, the in silico prediction for this alteration is inconclusive. Since supporting evidence is limited at this time, the clinical significance of this alteration remains unclear.

Labcorp Genetics (formerly Invitae), Labcorp
Classification: Uncertain significance for DICER1-related tumor predisposition. Last evaluated: 2024-05-26. Review status: criteria provided, single submitter. Criteria: Invitae Variant Classification Sherloc (09022015). Collection method: clinical testing. Allele origin: germline.
Comment: This sequence change replaces aspartic acid, which is acidic and polar, with glycine, which is neutral and non-polar, at codon 1233 of the DICER1 protein (p.Asp1233Gly). This variant is not present in population databases (gnomAD no frequency). This variant has not been reported in the literature in individuals affected with DICER1-related conditions. ClinVar contains an entry for this variant (Variation ID: 647709). An algorithm developed to predict the effect of missense changes on protein structure and function (PolyPhen-2) suggests that this variant is likely to be tolerated. In summary, the available evidence is currently insufficient to determine the role of this variant in disease. Therefore, it has been classified as a Variant of Uncertain Significance.